The following is an entry in ClinVar:

ClinVar aggregate classification (germline): Uncertain significance (1 of 4 stars; one submission).

Conditions:
Gastrointestinal stromal tumor. Also called: Gastrointestinal stromal tumor, somatic; Gastrointestinal stroma tumor. Identifiers: Orphanet 44890, MedGen C0238198, MeSH D046152, MONDO:0011719, OMIM 606764, HP:0100723.

Submission:

Labcorp Genetics (formerly Invitae), Labcorp
Classification: Uncertain significance for Gastrointestinal stromal tumor. Last evaluated: 2020-03-17. Review status: criteria provided, single submitter. Criteria: Invitae Variant Classification Sherloc (09022015). Collection method: clinical testing. Allele origin: germline.
Comment: This variant is not present in population databases (ExAC no frequency). In summary, the available evidence is currently insufficient to determine the role of this variant in disease. Therefore, it has been classified as a Variant of Uncertain Significance. Algorithms developed to predict the effect of missense changes on protein structure and function output the following: SIFT: "Deleterious"; PolyPhen-2: "Benign"; Align-GVGD: "Class C0". The glutamine amino acid residue is found in multiple mammalian species, suggesting that this missense change does not adversely affect protein function. These predictions have not been confirmed by published functional studies and their clinical significance is uncertain. This variant has not been reported in the literature in individuals with KIT-related conditions. This sequence change replaces lysine with glutamine at codon 173 of the KIT protein (p.Lys173Gln). The lysine residue is moderately conserved and there is a small physicochemical difference between lysine and glutamine.

NM_000222.3(KIT):c.517A>C (p.Lys173Gln)

Gene: KIT (KIT proto-oncogene, receptor tyrosine kinase; plus strand). Cytogenetic location: 4q12.
Variant type: single nucleotide variant.
Coding change: c.517A>C on transcript NM_000222.3 (MANE Select); coding-DNA position 517, A replaced by C.
Protein change: p.Lys173Gln; replaces lysine 173 with glutamine.
Molecular consequence: missense variant.
Genome position (GRCh38, 1-based): chr4:54,698,463, A>C. VCF-style: chr4-54698463-A-C. GRCh37 (hg19) VCF-style: chr4-55564629-A-C.
Other names: c.517A>C, p.Lys173Gln (NM_001093772.2, NM_001385284.1, NM_001385285.1 and 4 more transcripts); short protein forms K173Q.
Identifiers: ClinVar variation 999307 (VCV000999307.9), dbSNP rs1720232627, ClinGen allele CA356897757.